The following is an entry in ClinVar:

NM_001287.6(CLCN7):c.1448-2A>G

Gene: CLCN7 (Cl-/H+ antiporter 7; minus strand). Cytogenetic location: 16p13.3.
Variant type: single nucleotide variant.
Coding change: c.1448-2A>G on transcript NM_001287.6 (MANE Select); the canonical splice acceptor site of the intron before coding-DNA position 1448, A replaced by G.
Molecular consequence: splice acceptor variant.
Genome position (GRCh38, 1-based): chr16:1,450,668, T>C on the plus strand (A>G on the coding strand, the complement: CLCN7 is on the minus strand). VCF-style: chr16-1450668-T-C. GRCh37 (hg19) VCF-style: chr16-1500669-T-C.
Other names: c.1376-2A>G (NM_001114331.3).
Identifiers: ClinVar variation 1802224 (VCV001802224.4), dbSNP rs2505819682, ClinGen allele CA394187881.

ClinVar aggregate classification (germline): Likely pathogenic. Review status: criteria provided, multiple submitters, no conflicts (2 of 4 stars). 2 submissions from 2 submitters: Likely pathogenic (2). Last evaluated 2022-06-14.

Conditions:
Autosomal dominant osteopetrosis 2. Also called: ALBERS-SCHONBERG DISEASE, AUTOSOMAL DOMINANT; MARBLE BONES, AUTOSOMAL DOMINANT; OSTEOSCLEROSIS FRAGILIS GENERALISATA; Osteopetroses; Marble bones; Albers-Schonberg disease. Identifiers: Orphanet 53, MedGen C3179239, MONDO:0008156, OMIM 166600.
Autosomal recessive osteopetrosis 4. Also called: CLCN7-Related Osteopetrosis; infantile malignant CLCN7-related recessive osteopetrosis. Identifiers: Orphanet 667, MedGen C1969106, MONDO:0012676, OMIM 611490.
CLCN7-related disorder. Also called: CLCN7-related condition.

Allele frequency attached by ClinVar (database versions not stated): gnomAD exomes below 0.00001.
gnomAD v4.1: 2 of 1,605,950 alleles (0.00012%); highest among the groups gnomAD compares: Non-Finnish European, 0.00017%; no homozygotes.

Submissions (2):

Diagnostics Services (NGS), CSIR - Centre For Cellular And Molecular Biology
Classification: Likely pathogenic for Autosomal recessive osteopetrosis 4; Autosomal dominant osteopetrosis 2. Last evaluated: 2022-06-14. Review status: criteria provided, single submitter. Criteria: ACMG Guidelines, 2015. Collection method: clinical testing. Allele origin: germline. Affected: no. Observed: 1 variant allele, 1 heterozygote.
Comment: The c.1448-2A>G variant was identified as a part of carrier screening. This variant is not present in publicly available population databases like 1000 Genomes, Exome Variant Server (EVS), Genome Aggregation Database (gnomAD) and Indian Exome Database. The variant is not present in our in-house exome database. The variant was not reported to ClinVar, Human Genome Mutation Database (HGMD) and/or OMIM databases, in any affected individuals. In-silico pathogenicity prediction programs like MutationTaster2, CADD, Varsome etc. predicted this variant to be likely deleterious. Different algorithms to predict mRNA splicing abnormalities, predicted this variant to potentially affect splicing by activating a cryptic acceptor site, however these predictions were not confirmed by any published transcriptional studies.

Blueprint Genetics
Classification: Likely pathogenic for CLCN7-related disorders. Last evaluated: 2019-04-23. Review status: criteria provided, single submitter. Criteria: ACMG Guidelines, 2015. Collection method: clinical testing. Allele origin: germline. Affected: yes. Observed: 1 variant allele.